The following is an entry in ClinVar:

ClinVar aggregate classification (germline): Likely benign. Review status: criteria provided, single submitter (1 of 4 stars). 2 submissions from 2 submitters: Likely benign (1). 1 of the submissions does not count toward it. Last evaluated 2022-04-19.

Conditions:
Rubinstein-Taybi syndrome due to EP300 haploinsufficiency. Also called: EP300-Related Rubinstein-Taybi Syndrome; RUBINSTEIN-TAYBI SYNDROME 2. Identifiers: Orphanet 353284, Orphanet 783, MedGen C3150941, MONDO:0013364, OMIM 613684.
EP300-related disorder. Also called: EP300-related disorders; EP300-related condition.

Allele frequency attached by ClinVar (database versions not stated): ExAC 0.00001.

Submissions (2):

Labcorp Genetics (formerly Invitae), Labcorp
Classification: Likely benign for Rubinstein-Taybi syndrome due to EP300 haploinsufficiency. Last evaluated: 2022-04-19. Review status: criteria provided, single submitter. Criteria: Invitae Variant Classification Sherloc (09022015). Collection method: clinical testing. Allele origin: germline.

PreventionGenetics, part of Exact Sciences
Classification: Uncertain significance for EP300-related condition. Last evaluated: 2024-04-03. Review status: no assertion criteria provided. Collection method: clinical testing. Allele origin: germline. Not counted in ClinVar's aggregate classification.
Comment: The EP300 c.3410G>A variant is predicted to result in the amino acid substitution p.Arg1137Gln. To our knowledge, this variant has not been reported in the literature. This variant is reported in 0.00088% of alleles in individuals of European (Non-Finnish) descent in gnomAD. At this time, the clinical significance of this variant is uncertain due to the absence of conclusive functional and genetic evidence.

NM_001429.4(EP300):c.3410G>A (p.Arg1137Gln)

Gene: EP300 (EP300 lysine acetyltransferase; plus strand). Cytogenetic location: 22q13.2.
Variant type: single nucleotide variant.
Coding change: c.3410G>A on transcript NM_001429.4 (MANE Select); coding-DNA position 3410, G replaced by A.
Protein change: p.Arg1137Gln; replaces arginine 1137 with glutamine.
Molecular consequence: missense variant.
Genome position (GRCh38, 1-based): chr22:41,157,317, G>A. VCF-style: chr22-41157317-G-A. GRCh37 (hg19) VCF-style: chr22-41553321-G-A.
Other names: c.3332G>A, p.Arg1111Gln (NM_001362843.2); c.3410G>A (NM_001429.3); short protein forms R1111Q, R1137Q.
Identifiers: ClinVar variation 1986979 (VCV001986979.5), dbSNP rs757413185, ClinGen allele CA10253116.